The following is an entry in ClinVar:

NM_001130987.2(DYSF):c.6173G>T (p.Arg2058Met)

Gene: DYSF (dysferlin; plus strand). Cytogenetic location: 2p13.2.
Variant type: single nucleotide variant.
Coding change: c.6173G>T on transcript NM_001130987.2 (MANE Select); coding-DNA position 6173, G replaced by T.
Protein change: p.Arg2058Met; replaces arginine 2058 with methionine.
Molecular consequence: missense variant.
Genome position (GRCh38, 1-based): chr2:71,681,110, G>T. VCF-style: chr2-71681110-G-T. GRCh37 (hg19) VCF-style: chr2-71908240-G-T.
Other names: c.6056G>T (NM_003494.3); c.6059G>T, p.Arg2020Met (NM_001130455.2); c.6014G>T, p.Arg2005Met (NM_001130976.2); c.6077G>T, p.Arg2026Met (NM_001130977.2); c.6119G>T, p.Arg2040Met (NM_001130978.2); c.6149G>T, p.Arg2050Met (NM_001130979.2); c.6107G>T, p.Arg2036Met (NM_001130980.2); c.6170G>T, p.Arg2057Met (NM_001130981.2); and 6 more; short protein forms R2019M, R2058M, R2005M, R2027M, R2040M, R2051M, R2036M, R2041M.
Identifiers: ClinVar variation 282670 (VCV000282670.6), dbSNP rs886042452, ClinGen allele CA10604262.

ClinVar aggregate classification (germline): Uncertain significance. Review status: criteria provided, multiple submitters, no conflicts (2 of 4 stars). 2 submissions from 2 submitters: Uncertain significance (2). Last evaluated 2025-08-13.

Submissions (2):

GeneDx
Classification: Uncertain significance. Last evaluated: 2025-08-13. Review status: criteria provided, single submitter. Criteria: GeneDx Variant Classification Process June 2021. Collection method: clinical testing. Allele origin: germline. Affected: yes.
Comment: Not observed at significant frequency in large population cohorts (gnomAD); In silico analysis suggests that this missense variant does not alter protein structure/function; In silico analysis is inconclusive as to whether the variant alters gene splicing. In the absence of RNA/functional studies, the actual effect of this sequence change is unknown.; Has not been previously published as pathogenic or benign to our knowledge

Eurofins Ntd Llc (ga)
Classification: Uncertain significance. Last evaluated: 2015-08-17. Review status: criteria provided, single submitter. Criteria: EGL Classification Definitions 2015. Collection method: clinical testing. Allele origin: germline. Observed: 1 variant allele, 1 homozygote.